The following is an entry in ClinVar:

ClinVar aggregate classification (germline): Uncertain significance (1 of 4 stars; one submission).

Conditions:
Hereditary cancer-predisposing syndrome. Also called: Hereditary Cancer Syndrome; Hereditary neoplastic syndrome; Tumor predisposition; Neoplastic Syndromes, Hereditary. Identifiers: Orphanet 140162, MedGen C0027672, MeSH D009386, MONDO:0015356.

Submission:

Ambry Genetics
Classification: Uncertain significance for Hereditary cancer-predisposing syndrome. Last evaluated: 2021-11-29. Review status: criteria provided, single submitter. Criteria: Ambry Variant Classification Scheme 2023. Collection method: clinical testing. Allele origin: germline.
Comment: The p.T827R variant (also known as c.2480C>G), located in coding exon 5 of the PALB2 gene, results from a C to G substitution at nucleotide position 2480. The threonine at codon 827 is replaced by arginine, an amino acid with similar properties. This amino acid position is conserved. In addition, this alteration is predicted to be tolerated by in silico analysis. Since supporting evidence is limited at this time, the clinical significance of this alteration remains unclear.

NM_024675.4(PALB2):c.2480C>G (p.Thr827Arg)

Gene: PALB2 (partner and localizer of BRCA2; minus strand). Cytogenetic location: 16p12.2.
Variant type: single nucleotide variant.
Coding change: c.2480C>G on transcript NM_024675.4 (MANE Select); coding-DNA position 2480, C replaced by G.
Protein change: p.Thr827Arg; replaces threonine 827 with arginine.
Molecular consequence: missense variant.
Genome position (GRCh38, 1-based): chr16:23,629,674, G>C on the plus strand (C>G on the coding strand, the complement: PALB2 is on the minus strand). VCF-style: chr16-23629674-G-C. GRCh37 (hg19) VCF-style: chr16-23640995-G-C.
Other names: c.2420C>G, p.Thr807Arg (NM_001407296.1); c.2480C>G, p.Thr827Arg (NM_001407297.1, NM_001407298.1, NM_001407299.1 and 3 more transcripts); c.1595C>G, p.Thr532Arg (NM_001407304.1, NM_001407305.1, NM_001407306.1 and 5 more transcripts); c.692C>G, p.Thr231Arg (NM_001407312.1, NM_001407313.1); short protein forms T532R, T827R, T807R, T231R.
Identifiers: ClinVar variation 1791913 (VCV001791913.2), dbSNP rs1597088802, ClinGen allele CA395124037.